The following is an entry in ClinVar:

ClinVar aggregate classification (germline): Uncertain significance (1 of 4 stars; one submission).

Submission:

Women's Health and Genetics/Laboratory Corporation of America, LabCorp
Classification: Uncertain significance. Last evaluated: 2025-12-30. Review status: criteria provided, single submitter. Criteria: LabCorp Variant Classification Summary - May 2015. Collection method: clinical testing. Allele origin: germline.
Comment: Variant summary: The variant involves the duplication of exons 1-21 in the AFF2 gene. A presumed nomenclature of c.(?_-482)_(*9332_?)dup has been designated for the purposes of this classification. This duplication includes the entire coding sequence of the gene. As exact breakpoints are unknown, it may extend beyond the annotated region of the gene, to include other flanking genes. The variant was absent in 16120 control chromosomes. The available data on variant occurrences in the general population are insufficient to allow any conclusion about variant significance. To our knowledge, no occurrence of c.(?_-482)_(*9332_?)dup in individuals affected with AFF2-related conditions and no experimental evidence demonstrating its impact on protein function have been reported. No submitters have cited clinical-significance assessments for this variant to ClinVar. Based on the evidence outlined above, the variant was classified as uncertain significance.

NC_000023.10:g.(?_147582136)_(148082194_?)dup

Gene: AFF2 (ALF transcription elongation factor 2; plus strand). Cytogenetic location: Xq28.
Variant type: Duplication.
Identifiers: ClinVar variation 4688542 (VCV004688542.1).